The following is an entry in ClinVar:

NM_013275.6(ANKRD11):c.4879G>T (p.Ala1627Ser)

Gene: ANKRD11 (ankyrin repeat domain 11; minus strand). Cytogenetic location: 16q24.3.
Variant type: single nucleotide variant.
Coding change: c.4879G>T on transcript NM_013275.6 (MANE Select); coding-DNA position 4879, G replaced by T.
Protein change: p.Ala1627Ser; replaces alanine 1627 with serine.
Molecular consequence: missense variant.
Genome position (GRCh38, 1-based): chr16:89,281,663, C>A on the plus strand (G>T on the coding strand, the complement: ANKRD11 is on the minus strand). VCF-style: chr16-89281663-C-A. GRCh37 (hg19) VCF-style: chr16-89348071-C-A.
Other names: c.4879G>T (NM_013275.4); c.4879G>T, p.Ala1627Ser (NM_001256182.2, NM_001256183.2); short protein forms A1627S.
Identifiers: ClinVar variation 2574480 (VCV002574480.2), dbSNP rs2544230750, ClinGen allele CA397156563.

ClinVar aggregate classification (germline): Conflicting classifications of pathogenicity. Review status: criteria provided, conflicting classifications (1 of 4 stars). 2 submissions from 2 submitters: Uncertain significance (1); Likely benign (1). Last evaluated 2025-12-15.

Conditions:
Inborn genetic diseases. Identifiers: MedGen C0950123, MeSH D030342.

gnomAD v4.1: 1 of 1,614,168 alleles (0.000062%); highest among the groups gnomAD compares: Non-Finnish European, 0.000085%; no homozygotes.

Submissions (2):

Ambry Genetics
Classification: Likely benign for Inborn genetic diseases. Last evaluated: 2025-12-15. Review status: criteria provided, single submitter. Criteria: Ambry Variant Classification Scheme 2023. Collection method: clinical testing. Allele origin: germline.

GeneDx
Classification: Uncertain significance. Last evaluated: 2023-01-27. Review status: criteria provided, single submitter. Criteria: GeneDx Variant Classification Process June 2021. Collection method: clinical testing. Allele origin: germline. Affected: yes.
Comment: Not observed at significant frequency in large population cohorts (gnomAD); In silico analysis supports that this missense variant does not alter protein structure/function; Has not been previously published as pathogenic or benign to our knowledge